The following is an entry in ClinVar:

ClinVar aggregate classification (germline): Uncertain significance. Review status: criteria provided, multiple submitters, no conflicts (2 of 4 stars). 3 submissions from 3 submitters: Uncertain significance (3). Last evaluated 2025-01-29.

Conditions:
Inborn genetic diseases. Identifiers: MedGen C0950123, MeSH D030342.
ALG9 congenital disorder of glycosylation (CDG1L). Also called: CDG Il; CONGENITAL DISORDER OF GLYCOSYLATION, TYPE Il; ALG9-CDG. Identifiers: Orphanet 79328, MedGen C2931006, MONDO:0012117, OMIM 608776.

Allele frequency attached by ClinVar (database versions not stated): gnomAD exomes below 0.00001 and 0.00002; gnomAD 0.00001; TOPMed 0.00002.
gnomAD v4.1: 40 of 1,613,910 alleles (0.0025%); highest among the groups gnomAD compares: Non-Finnish European, 0.0028%; no homozygotes.

Submissions (3):

Labcorp Genetics (formerly Invitae), Labcorp
Classification: Uncertain significance for ALG9 congenital disorder of glycosylation. Last evaluated: 2025-01-29. Review status: criteria provided, single submitter. Criteria: Invitae Variant Classification Sherloc (09022015). Collection method: clinical testing. Allele origin: germline.
Comment: This sequence change replaces lysine, which is basic and polar, with glutamic acid, which is acidic and polar, at codon 608 of the ATP6V0A2 protein (p.Lys608Glu). This variant is present in population databases (no rsID available, gnomAD 0.0009%). This variant has not been reported in the literature in individuals affected with ATP6V0A2-related conditions. ClinVar contains an entry for this variant (Variation ID: 1307274). Invitae Evidence Modeling of protein sequence and biophysical properties (such as structural, functional, and spatial information, amino acid conservation, physicochemical variation, residue mobility, and thermodynamic stability) indicates that this missense variant is expected to disrupt ATP6V0A2 protein function with a positive predictive value of 80%. In summary, the available evidence is currently insufficient to determine the role of this variant in disease. Therefore, it has been classified as a Variant of Uncertain Significance.

GeneDx
Classification: Uncertain significance. Last evaluated: 2023-11-07. Review status: criteria provided, single submitter. Criteria: GeneDx Variant Classification Process June 2021. Collection method: clinical testing. Allele origin: germline. Affected: yes.
Comment: Has not been previously published as pathogenic or benign to our knowledge; Not observed at significant frequency in large population cohorts (gnomAD); In silico analysis supports that this missense variant has a deleterious effect on protein structure/function

Ambry Genetics
Classification: Uncertain significance for Inborn genetic diseases. Last evaluated: 2022-12-15. Review status: criteria provided, single submitter. Criteria: Ambry Variant Classification Scheme 2023. Collection method: clinical testing. Allele origin: germline.

NM_012463.4(ATP6V0A2):c.1822A>G (p.Lys608Glu)

Genes: ATP6V0A2 (ATPase H+ transporting V0 subunit a2; plus strand), LOC126861666 (CDK7 strongly-dependent group 2 enhancer GRCh37_chr12:124232793-124233992; plus strand). Cytogenetic location: 12q24.31.
Variant type: single nucleotide variant.
Coding change: c.1822A>G on transcript NM_012463.4 (MANE Select); coding-DNA position 1822, A replaced by G.
Protein change: p.Lys608Glu; replaces lysine 608 with glutamic acid.
Molecular consequence: missense variant.
Genome position (GRCh38, 1-based): chr12:123,748,672, A>G. VCF-style: chr12-123748672-A-G. GRCh37 (hg19) VCF-style: chr12-124233219-A-G.
Other names: short protein forms K608E.
Identifiers: ClinVar variation 1307274 (VCV001307274.8), dbSNP rs942181771, ClinGen allele CA245203009.